The following is an entry in ClinVar:

NM_000836.4(GRIN2D):c.98C>T (p.Pro33Leu)

Gene: GRIN2D (glutamate ionotropic receptor NMDA type subunit 2D; plus strand). Cytogenetic location: 19q13.33.
Variant type: single nucleotide variant.
Coding change: c.98C>T on transcript NM_000836.4 (MANE Select); coding-DNA position 98, C replaced by T.
Protein change: p.Pro33Leu; replaces proline 33 with leucine.
Molecular consequence: missense variant.
Genome position (GRCh38, 1-based): chr19:48,398,490, C>T. VCF-style: chr19-48398490-C-T. GRCh37 (hg19) VCF-style: chr19-48901747-C-T.
Other names: short protein forms P33L.
Identifiers: ClinVar variation 2824084 (VCV002824084.3), dbSNP rs911141273, ClinGen allele CA406688284.

ClinVar aggregate classification (germline): Uncertain significance (1 of 4 stars; one submission).

Submission:

Labcorp Genetics (formerly Invitae), Labcorp
Classification: Uncertain significance. Last evaluated: 2022-12-25. Review status: criteria provided, single submitter. Criteria: Invitae Variant Classification Sherloc (09022015). Collection method: clinical testing. Allele origin: germline.
Comment: This sequence change replaces proline, which is neutral and non-polar, with leucine, which is neutral and non-polar, at codon 33 of the GRIN2D protein (p.Pro33Leu). The frequency data for this variant in the population databases is considered unreliable, as metrics indicate insufficient coverage at this position in the gnomAD database. This variant has not been reported in the literature in individuals affected with GRIN2D-related conditions. Advanced modeling of protein sequence and biophysical properties (such as structural, functional, and spatial information, amino acid conservation, physicochemical variation, residue mobility, and thermodynamic stability) performed at Invitae indicates that this missense variant is not expected to disrupt GRIN2D protein function. In summary, the available evidence is currently insufficient to determine the role of this variant in disease. Therefore, it has been classified as a Variant of Uncertain Significance.